The following is an entry in ClinVar:

ClinVar aggregate classification (germline): Benign (0 of 4 stars; one submission).

Conditions:
HIVEP3-related disorder. Also called: HIVEP3-related condition.

Allele frequency attached by ClinVar (database versions not stated): TOPMed 0.00111; ESP Exome Variant Server 0.00154; 1000 Genomes Project 30x 0.00219; 1000 Genomes Project 0.00220; ExAC 0.00220; gnomAD 0.00225.
gnomAD v4.1: 2,467 of 1,613,586 alleles (0.15%); highest among the groups gnomAD compares: South Asian, 0.23%; 17 homozygotes.

Submission:

PreventionGenetics, part of Exact Sciences
Classification: Benign for HIVEP3-related condition. Last evaluated: 2019-05-23. Review status: no assertion criteria provided. Collection method: clinical testing. Allele origin: germline.
Comment: This variant is classified as benign based on ACMG/AMP sequence variant interpretation guidelines (Richards et al. 2015 PMID: 25741868, with internal and published modifications).

NM_024503.5(HIVEP3):c.6722G>A (p.Arg2241Gln)

Gene: HIVEP3 (HIVEP zinc finger 3; minus strand). Cytogenetic location: 1p34.2.
Variant type: single nucleotide variant.
Coding change: c.6722G>A on transcript NM_024503.5 (MANE Select); coding-DNA position 6722, G replaced by A.
Protein change: p.Arg2241Gln; replaces arginine 2241 with glutamine.
Molecular consequence: missense variant.
Genome position (GRCh38, 1-based): chr1:41,510,950, C>T on the plus strand (G>A on the coding strand, the complement: HIVEP3 is on the minus strand). VCF-style: chr1-41510950-C-T. GRCh37 (hg19) VCF-style: chr1-41976621-C-T.
Other names: c.6719G>A, p.Arg2240Gln (NM_001127714.3); short protein forms R2240Q, R2241Q.
Identifiers: ClinVar variation 3039451 (VCV003039451.2), dbSNP rs147749727, ClinGen allele CA797124.